The following is an entry in ClinVar:

ClinVar aggregate classification (germline): Uncertain significance (1 of 4 stars; one submission).

Allele frequency attached by ClinVar (database versions not stated): TOPMed below 0.00001; gnomAD 0.00001.

Submission:

Labcorp Genetics (formerly Invitae), Labcorp
Classification: Uncertain significance. Last evaluated: 2020-09-11. Review status: criteria provided, single submitter. Criteria: Invitae Variant Classification Sherloc (09022015). Collection method: clinical testing. Allele origin: germline.
Comment: This sequence change replaces alanine with valine at codon 72 of the ADAMTS18 protein (p.Ala72Val). The alanine residue is weakly conserved and there is a small physicochemical difference between alanine and valine. In summary, the available evidence is currently insufficient to determine the role of this variant in disease. Therefore, it has been classified as a Variant of Uncertain Significance. Algorithms developed to predict the effect of missense changes on protein structure and function are either unavailable or do not agree on the potential impact of this missense change (SIFT: "Not Available"; PolyPhen-2: "Benign"; Align-GVGD: "Not Available"). This variant has not been reported in the literature in individuals with ADAMTS18-related conditions. This variant is not present in population databases (ExAC no frequency).

NM_199355.4(ADAMTS18):c.215C>T (p.Ala72Val)

Gene: ADAMTS18 (ADAM metallopeptidase with thrombospondin type 1 motif 18; minus strand). Cytogenetic location: 16q23.1.
Variant type: single nucleotide variant.
Coding change: c.215C>T on transcript NM_199355.4 (MANE Select); coding-DNA position 215, C replaced by T.
Protein change: p.Ala72Val; replaces alanine 72 with valine.
Molecular consequence: missense variant. On other transcripts: 5 prime UTR variant (1).
Genome position (GRCh38, 1-based): chr16:77,431,575, G>A on the plus strand (C>T on the coding strand, the complement: ADAMTS18 is on the minus strand). VCF-style: chr16-77431575-G-A. GRCh37 (hg19) VCF-style: chr16-77465472-G-A.
Other names: c.-306C>T (NM_001326358.2); short protein forms A72V.
Identifiers: ClinVar variation 1025994 (VCV001025994.7), dbSNP rs1039395342, ClinGen allele CA284897528.
Genomic context (GRCh38, chr16:77,431,575, plus strand): 5'-TTCTGCGCCGATCGCTTTTTCCTGCCGTTGTGCAAAATGTCGTGTGAAATATATGACCCG[G>A]CTGAGTCTACTTCTACTGGCGTGACAAAGACGTAATCTGCAATGGGAAAAGTTCAGCTGT-3'
Protein context (NP_955387.1, residues 62-82): VFVTPVEVDS[Ala72Val]GSYISHDILH